The following is an entry in ClinVar:

ClinVar aggregate classification (germline): Uncertain significance (1 of 4 stars; one submission).

Conditions:
Focal segmental glomerulosclerosis 5 (FSGS5). Identifiers: Orphanet 656, MedGen C2750475, MONDO:0013191, OMIM 613237.
Charcot-Marie-Tooth disease dominant intermediate E. Also called: CHARCOT-MARIE-TOOTH NEUROPATHY WITH FOCAL SEGMENTAL GLOMERULONEPHRITIS. Identifiers: Orphanet 93114, MedGen C4302667, MONDO:0013758, OMIM 614455.

Submission:

Labcorp Genetics (formerly Invitae), Labcorp
Classification: Uncertain significance for Charcot-Marie-Tooth disease dominant intermediate E; Focal segmental glomerulosclerosis 5. Last evaluated: 2022-08-09. Review status: criteria provided, single submitter. Criteria: Invitae Variant Classification Sherloc (09022015). Collection method: clinical testing. Allele origin: germline.
Comment: This variant is not present in population databases (gnomAD no frequency). In summary, the available evidence is currently insufficient to determine the role of this variant in disease. Therefore, it has been classified as a Variant of Uncertain Significance. Advanced modeling of protein sequence and biophysical properties (such as structural, functional, and spatial information, amino acid conservation, physicochemical variation, residue mobility, and thermodynamic stability) performed at Invitae indicates that this missense variant is expected to disrupt INF2 protein function. ClinVar contains an entry for this variant (Variation ID: 864217). This variant has not been reported in the literature in individuals affected with INF2-related conditions. This sequence change replaces leucine, which is neutral and non-polar, with proline, which is neutral and non-polar, at codon 84 of the INF2 protein (p.Leu84Pro).

NM_022489.4(INF2):c.251T>C (p.Leu84Pro)

Gene: INF2 (inverted formin 2; plus strand). Cytogenetic location: 14q32.33.
Variant type: single nucleotide variant.
Coding change: c.251T>C on transcript NM_022489.4 (MANE Select); coding-DNA position 251, T replaced by C.
Protein change: p.Leu84Pro; replaces leucine 84 with proline.
Molecular consequence: missense variant.
Genome position (GRCh38, 1-based): chr14:104,701,616, T>C. VCF-style: chr14-104701616-T-C. GRCh37 (hg19) VCF-style: chr14-105167953-T-C.
Other names: c.251T>C, p.Leu84Pro (NM_001031714.4, NM_032714.3); short protein forms L84P.
Identifiers: ClinVar variation 864217 (VCV000864217.11), dbSNP rs1889501966, ClinGen allele CA391225637.